The following is an entry in ClinVar:

NM_001330360.2(POLA1):c.3445C>T (p.Pro1149Ser)

Gene: POLA1 (DNA polymerase alpha 1, catalytic subunit; plus strand). Cytogenetic location: Xp22.11.
Variant type: single nucleotide variant.
Coding change: c.3445C>T on transcript NM_001330360.2 (MANE Select); coding-DNA position 3445, C replaced by T.
Protein change: p.Pro1149Ser; replaces proline 1149 with serine.
Molecular consequence: missense variant. On other transcripts: non-coding transcript variant (2).
Genome position (GRCh38, 1-based): chrX:24,821,467, C>T. VCF-style: chrX-24821467-C-T. GRCh37 (hg19) VCF-style: chrX-24839584-C-T.
Other names: c.3370C>T, p.Pro1124Ser (NM_001378303.1); c.3427C>T, p.Pro1143Ser (NM_016937.4); short protein forms P1124S, P1143S, P1149S.
Identifiers: ClinVar variation 3572816 (VCV003572816.1).

ClinVar aggregate classification (germline): Uncertain significance (1 of 4 stars; one submission).

Submission:

GeneDx
Classification: Uncertain significance. Last evaluated: 2024-07-13. Review status: criteria provided, single submitter. Criteria: GeneDx Variant Classification Process June 2021. Collection method: clinical testing. Allele origin: germline. Affected: yes.
Comment: Not observed at significant frequency in large population cohorts (gnomAD); In silico analysis supports that this missense variant has a deleterious effect on protein structure/function; Has not been previously published as pathogenic or benign to our knowledge